The following is an entry in ClinVar:

ClinVar aggregate classification (germline): Uncertain significance (1 of 4 stars; one submission).

Submission:

GeneDx
Classification: Uncertain significance. Last evaluated: 2024-12-17. Review status: criteria provided, single submitter. Criteria: GeneDx Variant Classification Process June 2021. Collection method: clinical testing. Allele origin: germline. Affected: yes.
Comment: Not observed at significant frequency in large population cohorts (gnomAD); In silico analysis supports that this missense variant has a deleterious effect on protein structure/function; Has not been previously published as pathogenic or benign to our knowledge

NM_001394062.1(MACF1):c.13819A>G (p.Met4607Val)

Gene: MACF1 (microtubule actin crosslinking factor 1; plus strand). Cytogenetic location: 1p34.3.
Variant type: single nucleotide variant.
Coding change: c.13819A>G on transcript NM_001394062.1 (MANE Select); coding-DNA position 13819, A replaced by G.
Protein change: p.Met4607Val; replaces methionine 4607 with valine.
Molecular consequence: missense variant.
Genome position (GRCh38, 1-based): chr1:39,382,123, A>G. VCF-style: chr1-39382123-A-G. GRCh37 (hg19) VCF-style: chr1-39847795-A-G.
Other names: c.7633A>G, p.Met2545Val (NM_012090.5); short protein forms M2545V, M4607V.
Identifiers: ClinVar variation 3906631 (VCV003906631.1).